The following is an entry in ClinVar:

ClinVar aggregate classification (germline): Uncertain significance. Review status: criteria provided, single submitter (1 of 4 stars). 2 submissions from 2 submitters: Uncertain significance (1). 1 of the submissions does not count toward it. Last evaluated 2024-07-23.

Conditions:
Bloom syndrome (BLM). Also called: Bloom-Torre-Machacek syndrome. Identifiers: Orphanet 125, MedGen C0005859, MONDO:0008876, OMIM 210900.

Submissions (2):

Labcorp Genetics (formerly Invitae), Labcorp
Classification: Uncertain significance for Bloom syndrome. Last evaluated: 2024-07-23. Review status: criteria provided, single submitter. Criteria: Invitae Variant Classification Sherloc (09022015). Collection method: clinical testing. Allele origin: germline.
Comment: This sequence change replaces isoleucine, which is neutral and non-polar, with valine, which is neutral and non-polar, at codon 1398 of the BLM protein (p.Ile1398Val). This variant is not present in population databases (gnomAD no frequency). This variant has not been reported in the literature in individuals affected with BLM-related conditions. An algorithm developed to predict the effect of missense changes on protein structure and function (PolyPhen-2) suggests that this variant is likely to be tolerated. In summary, the available evidence is currently insufficient to determine the role of this variant in disease. Therefore, it has been classified as a Variant of Uncertain Significance.

Natera, Inc.
Classification: Uncertain significance for Bloom syndrome. Last evaluated: 2025-03-23. Review status: no assertion criteria provided. Collection method: clinical testing. Allele origin: germline. Not counted in ClinVar's aggregate classification.

NM_000057.4(BLM):c.4192A>G (p.Ile1398Val)

Gene: BLM (BLM RecQ like helicase; plus strand). Cytogenetic location: 15q26.1.
Variant type: single nucleotide variant.
Coding change: c.4192A>G on transcript NM_000057.4 (MANE Select); coding-DNA position 4192, A replaced by G.
Protein change: p.Ile1398Val; replaces isoleucine 1398 with valine.
Molecular consequence: missense variant.
Genome position (GRCh38, 1-based): chr15:90,815,217, A>G. VCF-style: chr15-90815217-A-G. GRCh37 (hg19) VCF-style: chr15-91358447-A-G.
Other names: c.4192A>G, p.Ile1398Val (NM_001287246.2); c.3799A>G, p.Ile1267Val (NM_001287247.2); c.3067A>G, p.Ile1023Val (NM_001287248.2); c.4192A>G (NM_000057.3); short protein forms I1398V, I1023V, I1267V.
Identifiers: ClinVar variation 3660298 (VCV003660298.3).